The following is an entry in ClinVar:

NM_020812.4(DOCK6):c.5466C>G (p.Ile1822Met)

Gene: DOCK6 (dedicator of cytokinesis 6; minus strand). Cytogenetic location: 19p13.2.
Variant type: single nucleotide variant.
Coding change: c.5466C>G on transcript NM_020812.4 (MANE Select); coding-DNA position 5466, C replaced by G.
Protein change: p.Ile1822Met; replaces isoleucine 1822 with methionine.
Molecular consequence: missense variant.
Genome position (GRCh38, 1-based): chr19:11,202,111, G>C on the plus strand (C>G on the coding strand, the complement: DOCK6 is on the minus strand). VCF-style: chr19-11202111-G-C. GRCh37 (hg19) VCF-style: chr19-11312787-G-C.
Other names: c.5571C>G, p.Ile1857Met (NM_001367830.1); short protein forms I1822M, I1857M.
Identifiers: ClinVar variation 3061167 (VCV003061167.2), dbSNP rs746777275, ClinGen allele CA404074369.

ClinVar aggregate classification (germline): Uncertain significance (0 of 4 stars; one submission).

Conditions:
DOCK6-related disorder. Also called: DOCK6-related condition.

gnomAD v4.1: 2 of 1,613,990 alleles (0.00012%); highest among the groups gnomAD compares: African/African-American, 0.0013%; no homozygotes.

Submission:

PreventionGenetics, part of Exact Sciences
Classification: Uncertain significance for DOCK6-related condition. Last evaluated: 2024-02-29. Review status: no assertion criteria provided. Collection method: clinical testing. Allele origin: germline.
Comment: The DOCK6 c.5466C>G variant is predicted to result in the amino acid substitution p.Ile1822Met. To our knowledge, this variant has not been reported in the literature or in a large population database, indicating this variant is rare. At this time, the clinical significance of this variant is uncertain due to the absence of conclusive functional and genetic evidence.